The following is an entry in ClinVar:

ClinVar aggregate classification (germline): Pathogenic (1 of 4 stars; one submission).

Conditions:
Inborn genetic diseases. Identifiers: MedGen C0950123, MeSH D030342.

Submission:

Ambry Genetics
Classification: Pathogenic for Inborn genetic diseases. Last evaluated: 2025-11-10. Review status: criteria provided, single submitter. Criteria: Ambry Variant Classification Scheme 2023. Collection method: clinical testing. Allele origin: germline.
Comment: The c.174delC (p.F58Lfs*93) alteration, located in coding exon 4 of the BBS7 gene, consists of a deletion of one nucleotide at position 174, causing a translational frameshift with a predicted alternate stop codon after 93 amino acids. This alteration is expected to result in loss of function by premature protein truncation or nonsense-mediated mRNA decay. This variant was not reported in population-based cohorts in the Genome Aggregation Database (gnomAD). Based on the available evidence, this alteration is classified as pathogenic.

NM_176824.3(BBS7):c.174del (p.Phe58fs)

Gene: BBS7 (Bardet-Biedl syndrome 7; minus strand). Cytogenetic location: 4q27.
Variant type: Deletion.
Coding change: c.174del on transcript NM_176824.3 (MANE Select); coding-DNA position 174, one base deleted (C; older notation c.174delC).
Protein change: p.Phe58fs; shifts the reading frame from phenylalanine 58.
Molecular consequence: frameshift variant.
Genome position (GRCh38, 1-based): chr4:121,861,671, G deleted on the plus strand (C on the coding strand, the reverse complement: BBS7 is on the minus strand). VCF-style (leftmost placement, unchanged base first): chr4-121861670-TG-T. GRCh37 (hg19) VCF-style: chr4-122782825-TG-T.
Other names: c.174del, p.Phe58fs (NM_018190.4); short protein forms F58fs.
Identifiers: ClinVar variation 985245 (VCV000985245.4), dbSNP rs1726987563, ClinGen allele CA1139658632.